The following is an entry in ClinVar:

NM_003002.4(SDHD):c.-4C>T

Genes: SDHD (succinate dehydrogenase complex subunit D; plus strand), LOC126861339 (BRD4-independent group 4 enhancer GRCh37_chr11:111957035-111958234; plus strand). Cytogenetic location: 11q23.1.
Variant type: single nucleotide variant.
Coding change: c.-4C>T on transcript NM_003002.4 (MANE Select); 4 bases upstream of the start codon, C replaced by T.
Molecular consequence: 5 prime UTR variant. On other transcripts: non-coding transcript variant (1).
Genome position (GRCh38, 1-based): chr11:112,086,904, C>T. VCF-style: chr11-112086904-C-T. GRCh37 (hg19) VCF-style: chr11-111957628-C-T.
Other names: c.-4C>T (NM_001276503.2, NM_001276504.2, NM_001276506.2).
Identifiers: ClinVar variation 619913 (VCV000619913.11), dbSNP rs540552714, ClinGen allele CA228550314.
Genomic context (GRCh38, chr11:112,086,904, plus strand): 5'-TGGGTGGGAATTGTCGCCTAAGTGGTTCCGGGTTGGTGGATGACCTTGAGCCCTCAGGAA[C>T]GAGATGGCGGTTCTCTGGAGGCTGAGTGCCGTTTGCGGTGCCCTAGGAGGCCGAGGTGAG-3'

ClinVar aggregate classification (germline): Uncertain significance. Review status: criteria provided, multiple submitters, no conflicts (2 of 4 stars). 5 submissions from 5 submitters: Uncertain significance (5). Last evaluated 2025-11-13.

Conditions:
Hereditary cancer-predisposing syndrome. Also called: Neoplastic Syndromes, Hereditary; Hereditary Cancer Syndrome; Tumor predisposition; Hereditary neoplastic syndrome. Identifiers: Orphanet 140162, MedGen C0027672, MeSH D009386, MONDO:0015356.
Hereditary pheochromocytoma and paraganglioma. Also called: Hereditary Paraganglioma-Pheochromocytoma Syndromes; Hereditary paragangliomas and pheochromocytomas; Hereditary pheochromocytoma-paraganglioma. Identifiers: Orphanet 29072, MedGen C4274332, MONDO:0017366.

Allele frequency attached by ClinVar (database versions not stated): TOPMed 0.00003; 1000 Genomes Project 30x 0.00016; 1000 Genomes Project 0.00020; gnomAD 0.00003.
gnomAD v4.1: 10 of 1,614,190 alleles (0.00062%); highest among the groups gnomAD compares: Middle Eastern, 0.016%; no homozygotes.

Submissions (5):

Ambry Genetics
Classification: Uncertain significance for Hereditary cancer-predisposing syndrome. Last evaluated: 2025-11-13. Review status: criteria provided, single submitter. Criteria: Ambry Variant Classification Scheme 2023. Collection method: clinical testing. Allele origin: germline.
Comment: The c.-4C>T variant is located in the 5' untranslated region (5&rsquo; UTR) of the SDHD gene. This variant results from a C to T substitution 4 bases upstream from the first translated codon. This nucleotide position is well conserved on limited sequence alignment. Based on the available evidence, the clinical significance of this variant remains unclear.

Color Diagnostics, LLC DBA Color Health
Classification: Uncertain significance for Hereditary pheochromocytoma and paraganglioma. Last evaluated: 2025-08-27. Review status: criteria provided, single submitter. Criteria: ACMG Guidelines, 2015. Collection method: clinical testing. Allele origin: germline.
Comment: This variant causes a C to T nucleotide substitution at the -4 position in the 5' untranslated region of the SDHD gene. To our knowledge, functional studies have not been reported for this variant. This variant has not been reported in individuals affected with SDHD-related disorders in the literature. This variant has been identified in 1/31390 chromosomes in the general population by the Genome Aggregation Database (gnomAD). The available evidence is insufficient to determine the role of this variant in disease conclusively. Therefore, this variant is classified as a Variant of Uncertain Significance.

All of Us Research Program, National Institutes of Health
Classification: Uncertain significance for Hereditary pheochromocytoma and paraganglioma. Last evaluated: 2023-06-08. Review status: criteria provided, single submitter. Criteria: ACMG Guidelines, 2015. Collection method: clinical testing. Allele origin: germline. Inheritance: Autosomal dominant inheritance. Observed: 1 variant allele, 1 heterozygote.
Comment: This variant causes a C to T nucleotide substitution at the -4 position in the 5' untranslated region of the SDHD gene. To our knowledge, functional studies have not been reported for this variant. This variant has not been reported in individuals affected with SDHD-related disorders in the literature. This variant has been identified in 1/31390 chromosomes in the general population by the Genome Aggregation Database (gnomAD). The available evidence is insufficient to determine the role of this variant in disease conclusively. Therefore, this variant is classified as a Variant of Uncertain Significance.

This study involves interpretation of variants in research participants for the purpose of population health screening. Participant phenotype was not available at the time of variant classification. Additional details can be found in publication PMID: 35346344, PMCID: PMC8962531

GeneDx
Classification: Uncertain significance. Last evaluated: 2022-06-03. Review status: criteria provided, single submitter. Criteria: GeneDx Variant Classification Process June 2021. Collection method: clinical testing. Allele origin: germline. Affected: yes.
Comment: Describes a nucleotide substitution 4 base pairs upstream of the ATG translational start site of the SDHD gene, occurring in the Kozak sequence, the conserved nucleotides just upstream of the ATG start codon, which play a major role in the initiation of translation; Results in the creation of a new ATG codon upstream of the natural ATG initiation codon, however, we are unable to predict the effects the newly created ATG codon might have on the translation of SDHD protein; Not observed at significant frequency in large population cohorts (gnomAD); Nucleotide substitution has no predicted effect on splicing and is not conserved across species; Has not been previously published as pathogenic or benign to our knowledge

Quest Diagnostics Nichols Institute San Juan Capistrano
Classification: Uncertain significance. Last evaluated: 2018-01-16. Review status: criteria provided, single submitter. Criteria: Quest Diagnostics criteria. Collection method: clinical testing. Allele origin: germline.